The following is an entry in ClinVar:

NM_001042492.3(NF1):c.1260T>C (p.Asn420=)

Gene: NF1 (neurofibromin 1; plus strand). Cytogenetic location: 17q11.2.
Variant type: single nucleotide variant.
Coding change: c.1260T>C on transcript NM_001042492.3 (MANE Select); coding-DNA position 1260, T replaced by C.
Protein change: p.Asn420=; no amino-acid change (asparagine 420 retained).
Molecular consequence: synonymous variant.
Genome position (GRCh38, 1-based): chr17:31,201,485, T>C. VCF-style: chr17-31201485-T-C. GRCh37 (hg19) VCF-style: chr17-29528503-T-C.
Other names: c.1260T>C, p.Asn420= (NM_000267.4, NM_001128147.3).
Identifiers: ClinVar variation 1473089 (VCV001473089.10), dbSNP rs2143887054, ClinGen allele CA499220750.

ClinVar aggregate classification (germline): Conflicting classifications of pathogenicity. Review status: criteria provided, conflicting classifications (1 of 4 stars). 2 submissions from 2 submitters: Uncertain significance (1); Likely benign (1). Last evaluated 2023-04-14.

Conditions:
Cardiovascular phenotype. Identifiers: MedGen CN230736.
Hereditary cancer-predisposing syndrome. Also called: Hereditary neoplastic syndrome; Tumor predisposition; Neoplastic Syndromes, Hereditary; Hereditary Cancer Syndrome. Identifiers: Orphanet 140162, MedGen C0027672, MeSH D009386, MONDO:0015356.
Neurofibromatosis, type 1 (NF1). Also called: Neurofibromatosis, type I; VON RECKLINGHAUSEN DISEASE; NEUROFIBROMATOSIS, TYPE I, SOMATIC; Peripheral type neurofibromatosis. Identifiers: Orphanet 636, MedGen C0027831, MONDO:0018975, OMIM 162200. Disease mechanism: loss of function.

Submissions (2):

Labcorp Genetics (formerly Invitae), Labcorp
Classification: Uncertain significance for Neurofibromatosis, type 1. Last evaluated: 2023-04-14. Review status: criteria provided, single submitter. Criteria: Invitae Variant Classification Sherloc (09022015). Collection method: clinical testing. Allele origin: germline.
Comment: This sequence change affects codon 420 of the NF1 mRNA. It is a 'silent' change, meaning that it does not change the encoded amino acid sequence of the NF1 protein. It affects a nucleotide within the consensus splice site. This variant is not present in population databases (gnomAD no frequency). This variant has not been reported in the literature in individuals affected with NF1-related conditions. ClinVar contains an entry for this variant (Variation ID: 1473089). Algorithms developed to predict the effect of sequence changes on RNA splicing suggest that this variant is not likely to affect RNA splicing. In summary, the available evidence is currently insufficient to determine the role of this variant in disease. Therefore, it has been classified as a Variant of Uncertain Significance.

Ambry Genetics
Classification: Likely benign for Cardiovascular phenotype; Hereditary cancer-predisposing syndrome. Last evaluated: 2022-01-28. Review status: criteria provided, single submitter. Criteria: Ambry Variant Classification Scheme 2023. Collection method: clinical testing. Allele origin: germline.